The following is an entry in ClinVar:

NM_006516.4(SLC2A1):c.727G>A (p.Glu243Lys)

Gene: SLC2A1 (solute carrier family 2 member 1; minus strand). Cytogenetic location: 1p34.2.
Variant type: single nucleotide variant.
Coding change: c.727G>A on transcript NM_006516.4 (MANE Select); coding-DNA position 727, G replaced by A.
Protein change: p.Glu243Lys; replaces glutamic acid 243 with lysine.
Molecular consequence: missense variant.
Genome position (GRCh38, 1-based): chr1:42,929,733, C>T on the plus strand (G>A on the coding strand, the complement: SLC2A1 is on the minus strand). VCF-style: chr1-42929733-C-T. GRCh37 (hg19) VCF-style: chr1-43395404-C-T.
Other names: short protein forms E243K.
Identifiers: ClinVar variation 4755312 (VCV004755312.1).
Genomic context (GRCh38, chr1:42,929,733, plus strand): 5'-ACAGCTCCAGGATGGTGACCTTCTTCTCCCGCATCATCTGCCGACTCTCTTCCTTCATCT[C>T]CTGCAGGTCATGGGTCACGTCAGCTGTCCCGCGCAGCTTCTTTAGCACTGGGGGGACCGG-3'
Protein context (NP_006507.2, residues 233-253): GTADVTHDLQ[Glu243Lys]MKEESRQMMR

ClinVar aggregate classification (germline): Likely pathogenic (1 of 4 stars; one submission).

Conditions:
GLUT1 deficiency syndrome 1, autosomal recessive. Identifiers: MedGen C3149117.

Submission:

Labcorp Genetics (formerly Invitae), Labcorp
Classification: Likely pathogenic for GLUT1 deficiency syndrome 1, autosomal recessive. Last evaluated: 2025-07-06. Review status: criteria provided, single submitter. Criteria: Invitae Variant Classification Sherloc (09022015). Collection method: clinical testing. Allele origin: germline.
Comment: This sequence change replaces glutamic acid, which is acidic and polar, with lysine, which is basic and polar, at codon 243 of the SLC2A1 protein (p.Glu243Lys). This variant is not present in population databases (gnomAD no frequency). This variant has not been reported in the literature in individuals affected with SLC2A1-related conditions. Invitae Evidence Modeling of protein sequence and biophysical properties (such as structural, functional, and spatial information, amino acid conservation, physicochemical variation, residue mobility, and thermodynamic stability) indicates that this missense variant is expected to disrupt SLC2A1 protein function with a positive predictive value of 95%. This variant disrupts the p.Glu243 amino acid residue in SLC2A1. Other variant(s) that disrupt this residue have been determined to be pathogenic (PMID: 23280796). This suggests that this residue is clinically significant, and that variants that disrupt this residue are likely to be disease-causing. In summary, the currently available evidence indicates that the variant is pathogenic, but additional data are needed to prove that conclusively. Therefore, this variant has been classified as Likely Pathogenic.

Literature cited by the submitters: PubMed 23280796.